The following is an entry in ClinVar:

NM_000545.8(HNF1A):c.749A>C (p.Gln250Pro)

Gene: HNF1A (HNF1 homeobox A; plus strand). Cytogenetic location: 12q24.31.
Variant type: single nucleotide variant.
Coding change: c.749A>C on transcript NM_000545.8 (MANE Select); coding-DNA position 749, A replaced by C.
Protein change: p.Gln250Pro; replaces glutamine 250 with proline.
Molecular consequence: missense variant.
Genome position (GRCh38, 1-based): chr12:120,994,199, A>C. VCF-style: chr12-120994199-A-C. GRCh37 (hg19) VCF-style: chr12-121432002-A-C.
Other names: NM_000545.6(HNF1A):c.749A>C; p.Gln250Pro; c.749A>C, p.Gln250Pro (NM_001306179.2); short protein forms Q250P.
Identifiers: ClinVar variation 447498 (VCV000447498.6), dbSNP rs1555211982, ClinGen allele CA386965923.

ClinVar aggregate classification (germline): Uncertain significance. Review status: reviewed by expert panel (3 of 4 stars). 3 submissions from 3 submitters: Uncertain significance (1). 2 of the submissions do not count toward it. Last evaluated 2025-04-16.

Conditions:
Monogenic diabetes. Identifiers: Orphanet 183625, MedGen C3888631, MONDO:0015967.
Maturity-onset diabetes of the young (MODY). Also called: Maturity onset diabetes mellitus in young. Identifiers: Orphanet 552, MedGen C0342276, MONDO:0018911, HP:0004904.

Submissions (3):

ClinGen Monogenic Diabetes Variant Curation Expert Panel
Classification: Uncertain significance for Monogenic diabetes. Last evaluated: 2025-04-16. Review status: reviewed by expert panel. Criteria: ClinGen Diabetes ACMG Specifications HNF1A V2.1.0. Collection method: curation. Allele origin: germline. Inheritance: Autosomal dominant inheritance.
Comment: The c.749A>C variant in the HNF1 homeobox A gene, HNF1A, causes an amino acid change of glutamine to proline at codon 250 (p.Gln250Pro) of NM_000545.8. This variant is located within a conserved region of the DNA binding domain (codons 107-174 and 201-280) of HNF1A, which is defined as critical for the protein’s function by the ClinGen MDEP (PM1_Supporting). This variant is also absent from gnomAD v2.1.1 and v4.1.0 (PM2_Supporting). This variant is predicted to be deleterious by computational evidence, with a REVEL score of 0.716, which is greater than the MDEP VCEP threshold of 0.70 (PP3). In summary, c.749A>C meets the criteria to be classified as a variant of uncertain significance for monogenic diabetes. ACMG/AMP criteria applied, as specified by the ClinGen MDEP (specification version 2.1.1, approved 8/11/2023): PM1_Supporting, PM2_Supporting, PP3.

Athena Diagnostics
Classification: Uncertain significance. Last evaluated: 2016-10-27. Review status: criteria provided, single submitter. Criteria: Athena Diagnostics Criteria. Collection method: clinical testing. Allele origin: germline. Not counted in ClinVar's aggregate classification.

Clinical Genomics, Uppaluri K&H Personalized Medicine Clinic
Classification: Likely risk allele for Maturity-onset diabetes of the young. Review status: criteria provided, single submitter. Criteria: K & H Uppaluri Personalized Medicine Clinic Variant Classification & Assertion Criteria_Updated V.1. Collection method: research. Allele origin: unknown. Inheritance: Autosomal dominant inheritance. Not counted in ClinVar's aggregate classification.
Comment: Mutations in HNF1A gene can predispose to MODY3. It is associated with both micro and macrovascular complications of diabetes, especially cardiovascular complications. Associated with glucosuria. May respond well to sulfonylureas. However, more evidence is required to confer the association of this particular variant rs1555211982 with MODY3.

Literature cited by the submitters: PubMed 20393147 (cited by Athena Diagnostics); PubMed 12355088 (cited by Athena Diagnostics); PubMed 31517624 (cited by Clinical Genomics, Uppaluri K&H Personalized Medicine Clinic); PubMed 35328643 (cited by Clinical Genomics, Uppaluri K&H Personalized Medicine Clinic); PubMed 32395877 (cited by Clinical Genomics, Uppaluri K&H Personalized Medicine Clinic); PubMed 35673428 (cited by Clinical Genomics, Uppaluri K&H Personalized Medicine Clinic).